The following is an entry in ClinVar:

ClinVar aggregate classification (germline): Conflicting classifications of pathogenicity. Review status: criteria provided, conflicting classifications (1 of 4 stars). 6 submissions from 6 submitters: Uncertain significance (5); Benign (1). Last evaluated 2025-10-06.

Conditions:
ZNF469-related disorder. Also called: ZNF469-related condition.
Cardiovascular phenotype. Identifiers: MedGen CN230736.

Allele frequency attached by ClinVar (database versions not stated): gnomAD exomes 0.00003 and 0.00004; ExAC 0.00011; gnomAD 0.00024 and 0.00026; TOPMed 0.00029; 1000 Genomes Project 30x 0.00109; 1000 Genomes Project 0.00120.
gnomAD v4.1: 102 of 1,549,872 alleles (0.0066%); highest among the groups gnomAD compares: African/African-American, 0.086%; no homozygotes.

Submissions (6):

Women's Health and Genetics/Laboratory Corporation of America, LabCorp
Classification: Uncertain significance. Last evaluated: 2025-10-06. Review status: criteria provided, single submitter. Criteria: LabCorp Variant Classification Summary - May 2015. Collection method: clinical testing. Allele origin: germline.
Comment: Variant summary: ZNF469 c.7981G>A (p.Gly2661Ser) results in a non-conservative amino acid change in the encoded protein sequence. Algorithms developed to predict the effect of missense changes on protein structure and function are either unavailable or do not agree on the potential impact of this missense change. The variant allele was found at a frequency of 3.3e-05 in 152874 control chromosomes. The available data on variant occurrences in the general population are insufficient to allow any conclusion about variant significance. To our knowledge, no occurrence of c.7981G>A in individuals affected with ZNF469-related conditions and no experimental evidence demonstrating its impact on protein function have been reported. ClinVar contains an entry for this variant (Variation ID: 195122). Based on the evidence outlined above, the variant was classified as uncertain significance.

PreventionGenetics, part of Exact Sciences
Classification: Uncertain significance for ZNF469-related condition. Last evaluated: 2025-06-26. Review status: criteria provided, single submitter. Criteria: ACMG Guidelines, 2015. Collection method: clinical testing. Allele origin: germline.
Comment: The ZNF469 c.7897G>A variant is predicted to result in the amino acid substitution p.Gly2633Ser. To our knowledge, this variant has not been reported in the literature. This variant is reported in 0.085% of alleles in individuals of African descent in gnomAD. Although we suspect that this variant may be benign, at this time, the clinical significance of this variant is uncertain due to the absence of conclusive functional and genetic evidence.

GeneDx
Classification: Uncertain significance. Last evaluated: 2023-12-18. Review status: criteria provided, single submitter. Criteria: GeneDx Variant Classification Process June 2021. Collection method: clinical testing. Allele origin: germline. Affected: yes.
Comment: Has not been previously published as pathogenic or benign to our knowledge; In silico analysis supports that this missense variant does not alter protein structure/function

Ambry Genetics
Classification: Benign for Cardiovascular phenotype. Last evaluated: 2023-11-22. Review status: criteria provided, single submitter. Criteria: Ambry Variant Classification Scheme 2023. Collection method: clinical testing. Allele origin: germline.

Labcorp Genetics (formerly Invitae), Labcorp
Classification: Uncertain significance. Last evaluated: 2022-08-19. Review status: criteria provided, single submitter. Criteria: Invitae Variant Classification Sherloc (09022015). Collection method: clinical testing. Allele origin: germline.
Comment: This sequence change replaces glycine, which is neutral and non-polar, with serine, which is neutral and polar, at codon 2633 of the ZNF469 protein (p.Gly2633Ser). This variant is present in population databases (rs138259179, gnomAD 0.09%). This variant has not been reported in the literature in individuals affected with ZNF469-related conditions. ClinVar contains an entry for this variant (Variation ID: 195122). Algorithms developed to predict the effect of missense changes on protein structure and function output the following: SIFT: "Tolerated"; PolyPhen-2: "Benign"; Align-GVGD: "Class C0". The serine amino acid residue is found in multiple mammalian species, which suggests that this missense change does not adversely affect protein function. In summary, the available evidence is currently insufficient to determine the role of this variant in disease. Therefore, it has been classified as a Variant of Uncertain Significance.

Eurofins Ntd Llc (ga)
Classification: Uncertain significance. Last evaluated: 2014-07-14. Review status: criteria provided, single submitter. Criteria: EGL Classification Definitions 2015. Collection method: clinical testing. Allele origin: germline. Observed: 1 variant allele, 1 heterozygote.

NM_001367624.2(ZNF469):c.7981G>A (p.Gly2661Ser)

Gene: ZNF469 (zinc finger protein 469; plus strand). Cytogenetic location: 16q24.2.
Variant type: single nucleotide variant.
Coding change: c.7981G>A on transcript NM_001367624.2 (MANE Select); coding-DNA position 7981, G replaced by A.
Protein change: p.Gly2661Ser; replaces glycine 2661 with serine.
Molecular consequence: missense variant.
Genome position (GRCh38, 1-based): chr16:88,435,451, G>A. VCF-style: chr16-88435451-G-A. GRCh37 (hg19) VCF-style: chr16-88501859-G-A.
Other names: NM_001127464.1:c.7897G>A; NM_001127464.2:c.7897G>A; short protein forms G2661S.
Identifiers: ClinVar variation 195122 (VCV000195122.14), dbSNP rs138259179, ClinGen allele CA241402.